The following is an entry in ClinVar:

NM_001278431.2(C1QTNF5):c.434G>A (p.Cys145Tyr)

Genes: C1QTNF5 (C1q and TNF related 5; minus strand), MFRP (membrane frizzled-related protein; minus strand). Cytogenetic location: 11q23.3.
Variant type: single nucleotide variant.
Coding change: c.434G>A on transcript NM_001278431.2 (MANE Select); coding-DNA position 434, G replaced by A.
Protein change: p.Cys145Tyr; replaces cysteine 145 with tyrosine.
Molecular consequence: missense variant. On other transcripts: 3 prime UTR variant (1).
Genome position (GRCh38, 1-based): chr11:119,339,629, C>T on the plus strand (G>A on the coding strand, the complement: C1QTNF5 is on the minus strand). VCF-style: chr11-119339629-C-T. GRCh37 (hg19) VCF-style: chr11-119210339-C-T.
Other names: c.434G>A, p.Cys145Tyr (NM_015645.5); c.*1330G>A (NM_031433.4); short protein forms C145Y.
Identifiers: ClinVar variation 3336681 (VCV003336681.1).

ClinVar aggregate classification (germline): Uncertain significance (1 of 4 stars; one submission).

Conditions:
Late-onset retinal degeneration (LORD). Also called: RETINAL DEGENERATION, LATE-ONSET, AUTOSOMAL DOMINANT. Identifiers: Orphanet 67042, MedGen C1854065, MONDO:0011579, OMIM 605670. Disease mechanism: loss of function.

Submission:

Igenomix - Part of Vitrolife Group, Igenomix
Classification: Uncertain significance for Late-onset retinal degeneration. Review status: criteria provided, single submitter. Criteria: ACMG Guidelines, 2015. Collection method: clinical testing. Allele origin: germline. Inheritance: Autosomal dominant inheritance. Affected: yes. Observed: 2 variant alleles.
Comment: The C1QTNF5 variant (NM_001278431.2:c.434G>A, p.Cys145Tyr) replaces amino acid cysteine with Tyrosine. The in silico tools predict a deleterious effect of the variant on the protein. This variant is absent in the gnomAD v4.1.0 (PM2). This variant has not been reported in the literature in individuals affected with C1QTNF5-related late-onset retinal degeneration (6th to 8th decade). Based on the evidence outlined above, the variant was classified as a variant of uncertain significance (PM2, PP3_mod).